The following is an entry in ClinVar:

ClinVar aggregate classification (germline): Uncertain significance (1 of 4 stars; one submission).

gnomAD v4.1: 9 of 1,613,546 alleles (0.00056%); highest among the groups gnomAD compares: African/African-American, 0.0093%; no homozygotes.

Submission:

GeneDx
Classification: Uncertain significance. Last evaluated: 2024-06-14. Review status: criteria provided, single submitter. Criteria: GeneDx Variant Classification Process June 2021. Collection method: clinical testing. Allele origin: germline. Affected: yes.
Comment: Not observed at significant frequency in large population cohorts (gnomAD); In silico analysis supports a deleterious effect on splicing; Has not been previously published as pathogenic or benign to our knowledge

NM_145691.4(ATPAF2):c.616+3A>T

Gene: ATPAF2 (ATP synthase mitochondrial F1 complex assembly factor 2; minus strand). Cytogenetic location: 17p11.2.
Variant type: single nucleotide variant.
Coding change: c.616+3A>T on transcript NM_145691.4 (MANE Select); 3 bases into the intron after coding-DNA position 616, A replaced by T.
Molecular consequence: intron variant.
Genome position (GRCh38, 1-based): chr17:18,021,742, T>A on the plus strand (A>T on the coding strand, the complement: ATPAF2 is on the minus strand). VCF-style: chr17-18021742-T-A. GRCh37 (hg19) VCF-style: chr17-17925056-T-A.
Identifiers: ClinVar variation 3390392 (VCV003390392.1).
Genomic context (GRCh38, chr17:18,021,742, plus strand): 5'-AGGCTTCAGACACTGATGGCCTTCACAGCCACCTGCCAAGCCCACAAGAAACTCCATACA[T>A]GCCTTGTAAAGCCCATGTGTTGTAAGATGCCAGGTGGCTGACGAGCACCTCCCGAGTTTT-3'